The following is an entry in ClinVar:

NM_000465.4(BARD1):c.347A>G (p.His116Arg)

Gene: BARD1 (BRCA1 associated RING domain 1; minus strand). Cytogenetic location: 2q35.
Variant type: single nucleotide variant.
Coding change: c.347A>G on transcript NM_000465.4 (MANE Select); coding-DNA position 347, A replaced by G.
Protein change: p.His116Arg; replaces histidine 116 with arginine.
Molecular consequence: missense variant. On other transcripts: non-coding transcript variant (1), intron variant (2).
Genome position (GRCh38, 1-based): chr2:214,792,314, T>C on the plus strand (A>G on the coding strand, the complement: BARD1 is on the minus strand). VCF-style: chr2-214792314-T-C. GRCh37 (hg19) VCF-style: chr2-215657038-T-C.
Other names: c.290A>G, p.His97Arg (NM_001282543.2); c.347A>G, p.His116Arg (NM_001282549.2); c.158+17098A>G (NM_001282548.2); c.215+4747A>G (NM_001282545.2); short protein forms H116R, H97R.
Identifiers: ClinVar variation 233920 (VCV000233920.21), dbSNP rs773211367, ClinGen allele CA2090451.

ClinVar aggregate classification (germline): Uncertain significance. Review status: criteria provided, multiple submitters, no conflicts (2 of 4 stars). 5 submissions from 5 submitters: Uncertain significance (5). Last evaluated 2025-09-18.

Conditions:
Hereditary cancer-predisposing syndrome. Also called: Neoplastic Syndromes, Hereditary; Tumor predisposition; Hereditary Cancer Syndrome; Hereditary neoplastic syndrome. Identifiers: Orphanet 140162, MedGen C0027672, MeSH D009386, MONDO:0015356.
Familial cancer of breast. Also called: BREAST CANCER, FAMILIAL; hereditary breast carcinoma; Hereditary breast cancer. Identifiers: Orphanet 227535, MedGen C0346153, MONDO:0016419, OMIM 114480. Disease mechanism: loss of function.

Allele frequency attached by ClinVar (database versions not stated): ExAC 0.00001; gnomAD 0.00001; TOPMed 0.00001.
gnomAD v4.1: 1 of 1,613,404 alleles (0.000062%); highest among the groups gnomAD compares: African/African-American, 0.0013%; no homozygotes.

Submissions (5):

Labcorp Genetics (formerly Invitae), Labcorp
Classification: Uncertain significance for Familial cancer of breast. Last evaluated: 2025-09-18. Review status: criteria provided, single submitter. Criteria: Invitae Variant Classification Sherloc (09022015). Collection method: clinical testing. Allele origin: germline.
Comment: This sequence change replaces histidine, which is basic and polar, with arginine, which is basic and polar, at codon 116 of the BARD1 protein (p.His116Arg). The frequency data for this variant in the population databases is considered unreliable, as metrics indicate poor data quality at this position in the gnomAD database. This variant has not been reported in the literature in individuals affected with BARD1-related conditions. ClinVar contains an entry for this variant (Variation ID: 233920). An algorithm developed to predict the effect of missense changes on protein structure and function (PolyPhen-2) suggests that this variant is likely to be tolerated. In summary, the available evidence is currently insufficient to determine the role of this variant in disease. Therefore, it has been classified as a Variant of Uncertain Significance.

Quest Diagnostics Nichols Institute San Juan Capistrano
Classification: Uncertain significance. Last evaluated: 2025-06-25. Review status: criteria provided, single submitter. Criteria: Quest Diagnostics criteria. Collection method: clinical testing. Allele origin: unknown.
Comment: The BARD1 c.347A>G (p.His116Arg) variant has not been reported in individuals with BARD1-related conditions in the published literature. The frequency of this variant in the general population (Genome Aggregation Database) is uninformative in the assessment of its pathogenicity. Analysis of this variant using a bioinformatics tool for the prediction of the effect of amino acid changes on protein structure and function yielded predictions that this variant is benign. Based on the available information, we are unable to determine the clinical significance of this variant.

Ambry Genetics
Classification: Uncertain significance for Hereditary cancer-predisposing syndrome. Last evaluated: 2025-02-22. Review status: criteria provided, single submitter. Criteria: Ambry Variant Classification Scheme 2023. Collection method: clinical testing. Allele origin: germline.
Comment: The p.H116R variant (also known as c.347A>G), located in coding exon 3 of the BARD1 gene, results from an A to G substitution at nucleotide position 347. The histidine at codon 116 is replaced by arginine, an amino acid with highly similar properties. This amino acid position is not well conserved in available vertebrate species. In addition, this alteration is predicted to be tolerated by in silico analysis. Since supporting evidence is limited at this time, the clinical significance of this alteration remains unclear.

Baylor Genetics
Classification: Uncertain significance for Familial cancer of breast. Last evaluated: 2023-11-28. Review status: criteria provided, single submitter. Criteria: ACMG Guidelines, 2015. Collection method: clinical testing. Allele origin: unknown.

Color Diagnostics, LLC DBA Color Health
Classification: Uncertain significance for Hereditary cancer-predisposing syndrome. Last evaluated: 2020-09-15. Review status: criteria provided, single submitter. Criteria: ACMG Guidelines, 2015. Collection method: clinical testing. Allele origin: germline.
Comment: This missense variant replaces histidine with arginine at codon 116 of the BARD1 protein. Computational prediction suggests that this variant may not impact protein structure and function (internally defined REVEL score threshold <= 0.5, PMID: 27666373). To our knowledge, functional studies have not been reported for this variant. This variant has not been reported in individuals affected with hereditary cancer in the literature. This variant has not been identified in the general population by the Genome Aggregation Database (gnomAD). The available evidence is insufficient to determine the role of this variant in disease conclusively. Therefore, this variant is classified as a Variant of Uncertain Significance.